The following is an entry in ClinVar:

ClinVar aggregate classification (germline): Uncertain significance (0 of 4 stars; one submission).

Conditions:
SEMA3F-related disorder. Also called: SEMA3F-related condition.

gnomAD v4.1: 8 of 1,613,924 alleles (0.0005%); highest among the groups gnomAD compares: Admixed American, 0.005%; no homozygotes.

Submission:

PreventionGenetics, part of Exact Sciences
Classification: Uncertain significance for SEMA3F-related condition. Last evaluated: 2024-09-25. Review status: no assertion criteria provided. Collection method: clinical testing. Allele origin: germline.
Comment: The SEMA3F c.703C>T variant is predicted to result in the amino acid substitution p.Arg235Cys. To our knowledge, this variant has not been reported in the literature. This variant is reported in 0.0050% of alleles in individuals of East Asian descent in gnomAD. At this time, the clinical significance of this variant is uncertain due to the absence of conclusive functional and genetic evidence.

NM_004186.5(SEMA3F):c.703C>T (p.Arg235Cys)

Gene: SEMA3F (semaphorin 3F; plus strand). Cytogenetic location: 3p21.31.
Variant type: single nucleotide variant.
Coding change: c.703C>T on transcript NM_004186.5 (MANE Select); coding-DNA position 703, C replaced by T.
Protein change: p.Arg235Cys; replaces arginine 235 with cysteine.
Molecular consequence: missense variant.
Genome position (GRCh38, 1-based): chr3:50,182,343, C>T. VCF-style: chr3-50182343-C-T. GRCh37 (hg19) VCF-style: chr3-50219776-C-T.
Other names: c.406C>T, p.Arg136Cys (NM_001318798.2); c.610C>T, p.Arg204Cys (NM_001318800.2); short protein forms R136C, R204C, R235C.
Identifiers: ClinVar variation 3349081 (VCV003349081.1).
Genomic context (GRCh38, chr3:50,182,343, plus strand): 5'-GATGAGGAGCTCTATGCTGGTGTGTACATCGATTTTATGGGCACTGATGCAGCCATCTTC[C>T]GCACACTTGGAAAGCAGACAGCCATGCGCACGGATCAGTACAACTCCCGGTGGCTGAACG-3'
Protein context (NP_004177.3, residues 225-245): DFMGTDAAIF[Arg235Cys]TLGKQTAMRT